The following is an entry in ClinVar:

NM_000939.4(POMC):c.614T>A (p.Leu205Gln)

Gene: POMC (proopiomelanocortin; minus strand). Cytogenetic location: 2p23.3.
Variant type: single nucleotide variant.
Coding change: c.614T>A on transcript NM_000939.4 (MANE Select); coding-DNA position 614, T replaced by A.
Protein change: p.Leu205Gln; replaces leucine 205 with glutamine.
Molecular consequence: missense variant.
Genome position (GRCh38, 1-based): chr2:25,161,271, A>T on the plus strand (T>A on the coding strand, the complement: POMC is on the minus strand). VCF-style: chr2-25161271-A-T. GRCh37 (hg19) VCF-style: chr2-25384140-A-T.
Other names: c.614T>A, p.Leu205Gln (NM_001035256.3, NM_001319204.2, NM_001319205.2); short protein forms L205Q.
Identifiers: ClinVar variation 4988116 (VCV004988116.1).
Genomic context (GRCh38, chr2:25,161,271, plus strand): 5'-TGCTCCATCCTGTAGGGGCCCTCGTCCTTCTTCTCGGCCGCCACCAGCAGGCTGTGCTCC[A>T]GGTCGGCCTGGGCCCCTGCGCCGTCATCGGCAGGGCCGTCGGGGCCATCTCCCTCCCGGA-3'
Protein context (NP_000930.1, residues 195-215): ADDGAGAQAD[Leu205Gln]EHSLLVAAEK

ClinVar aggregate classification (germline): Uncertain significance (1 of 4 stars; one submission).

Conditions:
POMC-related disorder. Also called: POMC-related condition; POMC-related disorders.

gnomAD v4.1: 2 of 1,611,336 alleles (0.00012%); highest among the groups gnomAD compares: Admixed American, 0.0017%; no homozygotes.

Submission:

PreventionGenetics, part of Exact Sciences
Classification: Uncertain significance for POMC-related condition. Last evaluated: 2025-05-01. Review status: criteria provided, single submitter. Criteria: ACMG Guidelines, 2015. Collection method: clinical testing. Allele origin: germline.
Comment: The POMC c.614T>A variant is predicted to result in the amino acid substitution p.Leu205Gln. To our knowledge, this variant has not been reported in the literature. This variant is reported in 0.0065% of alleles in individuals of African descent in gnomAD. At this time, the clinical significance of this variant is uncertain due to the absence of conclusive functional and genetic evidence.